The following is an entry in ClinVar:

ClinVar aggregate classification (germline): Uncertain significance. Review status: criteria provided, multiple submitters, no conflicts (2 of 4 stars). 3 submissions from 3 submitters: Uncertain significance (3). Last evaluated 2026-06-04.

Conditions:
Inborn genetic diseases. Identifiers: MedGen C0950123, MeSH D030342.

Allele frequency attached by ClinVar (database versions not stated): TOPMed below 0.00001.
gnomAD v4.1: 9 of 1,612,858 alleles (0.00056%); highest among the groups gnomAD compares: Non-Finnish European, 0.00076%; no homozygotes.

Submissions (3):

Ambry Genetics
Classification: Uncertain significance for Inborn genetic diseases. Last evaluated: 2026-06-04. Review status: criteria provided, single submitter. Criteria: Ambry Variant Classification Scheme 2023. Collection method: clinical testing. Allele origin: germline.

Labcorp Genetics (formerly Invitae), Labcorp
Classification: Uncertain significance. Last evaluated: 2021-05-16. Review status: criteria provided, single submitter. Criteria: Invitae Variant Classification Sherloc (09022015). Collection method: clinical testing. Allele origin: germline.
Comment: Algorithms developed to predict the effect of missense changes on protein structure and function (SIFT, PolyPhen-2, Align-GVGD) all suggest that this variant is likely to be disruptive, but these predictions have not been confirmed by published functional studies and their clinical significance is uncertain. This variant has not been reported in the literature in individuals with MYH9-related conditions. This variant is not present in population databases (ExAC no frequency). This sequence change replaces arginine with leucine at codon 1770 of the MYH9 protein (p.Arg1770Leu). The arginine residue is highly conserved and there is a moderate physicochemical difference between arginine and leucine. In summary, the available evidence is currently insufficient to determine the role of this variant in disease. Therefore, it has been classified as a Variant of Uncertain Significance.

GeneDx
Classification: Uncertain significance. Last evaluated: 2019-05-14. Review status: criteria provided, single submitter. Criteria: GeneDx Variant Classification Process June 2021. Collection method: clinical testing. Allele origin: germline. Affected: yes.
Comment: In silico analysis, which includes protein predictors and evolutionary conservation, supports a deleterious effect; Has not been previously published as pathogenic or benign to our knowledge

NM_002473.6(MYH9):c.5309G>T (p.Arg1770Leu)

Gene: MYH9 (myosin heavy chain 9; minus strand). Cytogenetic location: 22q12.3.
Variant type: single nucleotide variant.
Coding change: c.5309G>T on transcript NM_002473.6 (MANE Select); coding-DNA position 5309, G replaced by T.
Protein change: p.Arg1770Leu; replaces arginine 1770 with leucine.
Molecular consequence: missense variant.
Genome position (GRCh38, 1-based): chr22:36,285,295, C>A on the plus strand (G>T on the coding strand, the complement: MYH9 is on the minus strand). VCF-style: chr22-36285295-C-A. GRCh37 (hg19) VCF-style: chr22-36681341-C-A.
Other names: short protein forms R1770L.
Identifiers: ClinVar variation 1305825 (VCV001305825.10), dbSNP rs746118702, ClinGen allele CA411373760.
Genomic context (GRCh38, chr22:36,285,295, plus strand): 5'-AGCTCCTTGTTCTGGCGTTCCAGCTGCTGCCGAGCATTCTCGTTCTTCTGGGCGTGGCTG[C>A]GCTCCAGGTTCAGGTCGGTGTTGATCTGGTCGATCTGCAGAAGAAGGGCCAGTGACCTTG-3'
Protein context (NP_002464.1, residues 1760-1780): DQINTDLNLE[Arg1770Leu]SHAQKNENAR